The following is an entry in ClinVar:

ClinVar aggregate classification (germline): Uncertain significance (1 of 4 stars; one submission).

Conditions:
Noonan syndrome 8 (NS8). Identifiers: Orphanet 648, MedGen C3809233, MONDO:0014143, OMIM 615355.

Allele frequency attached by ClinVar (database versions not stated): TOPMed below 0.00001; gnomAD 0.00001; gnomAD exomes 0.00001.
gnomAD v4.1: 12 of 1,611,032 alleles (0.00074%); highest among the groups gnomAD compares: Non-Finnish European, 0.001%; no homozygotes.

Submission:

Labcorp Genetics (formerly Invitae), Labcorp
Classification: Uncertain significance for Noonan syndrome 8. Last evaluated: 2023-10-09. Review status: criteria provided, single submitter. Criteria: Invitae Variant Classification Sherloc (09022015). Collection method: clinical testing. Allele origin: germline.
Comment: This sequence change replaces lysine, which is basic and polar, with asparagine, which is neutral and polar, at codon 139 of the RIT1 protein (p.Lys139Asn). This variant is present in population databases (no rsID available, gnomAD 0.0009%). This variant has not been reported in the literature in individuals affected with RIT1-related conditions. Advanced modeling of protein sequence and biophysical properties (such as structural, functional, and spatial information, amino acid conservation, physicochemical variation, residue mobility, and thermodynamic stability) performed at Invitae indicates that this missense variant is not expected to disrupt RIT1 protein function. In summary, the available evidence is currently insufficient to determine the role of this variant in disease. Therefore, it has been classified as a Variant of Uncertain Significance.

NM_006912.6(RIT1):c.417A>T (p.Lys139Asn)

Gene: RIT1 (Ras like without CAAX 1; minus strand). Cytogenetic location: 1q22.
Variant type: single nucleotide variant.
Coding change: c.417A>T on transcript NM_006912.6 (MANE Select); coding-DNA position 417, A replaced by T.
Protein change: p.Lys139Asn; replaces lysine 139 with asparagine.
Molecular consequence: missense variant.
Genome position (GRCh38, 1-based): chr1:155,904,323, T>A on the plus strand (A>T on the coding strand, the complement: RIT1 is on the minus strand). VCF-style: chr1-155904323-T-A. GRCh37 (hg19) VCF-style: chr1-155874114-T-A.
Other names: c.309A>T, p.Lys103Asn (NM_001256820.2); c.468A>T, p.Lys156Asn (NM_001256821.2); short protein forms K139N, K156N, K103N.
Identifiers: ClinVar variation 2979269 (VCV002979269.3), dbSNP rs1294529693, ClinGen allele CA342802045.